The following is an entry in ClinVar:

ClinVar aggregate classification (germline): Uncertain significance (1 of 4 stars; one submission).

Submission:

GeneDx
Classification: Uncertain significance. Last evaluated: 2024-10-27. Review status: criteria provided, single submitter. Criteria: GeneDx Variant Classification Process June 2021. Collection method: clinical testing. Allele origin: germline. Affected: yes.
Comment: Not observed at significant frequency in large population cohorts (gnomAD); In silico analysis indicates that this missense variant does not alter protein structure/function; Has not been previously published as pathogenic or benign to our knowledge

NM_005458.8(GABBR2):c.1492G>A (p.Ala498Thr)

Gene: GABBR2 (gamma-aminobutyric acid type B receptor subunit 2; minus strand). Cytogenetic location: 9q22.33.
Variant type: single nucleotide variant.
Coding change: c.1492G>A on transcript NM_005458.8 (MANE Select); coding-DNA position 1492, G replaced by A.
Protein change: p.Ala498Thr; replaces alanine 498 with threonine.
Molecular consequence: missense variant.
Genome position (GRCh38, 1-based): chr9:98,388,891, C>T on the plus strand (G>A on the coding strand, the complement: GABBR2 is on the minus strand). VCF-style: chr9-98388891-C-T. GRCh37 (hg19) VCF-style: chr9-101151173-C-T.
Other names: short protein forms A498T.
Identifiers: ClinVar variation 3893621 (VCV003893621.1).